The following is an entry in ClinVar:

ClinVar aggregate classification (germline): Uncertain significance. Review status: criteria provided, single submitter (1 of 4 stars). 2 submissions from 2 submitters: Uncertain significance (1). 1 of the submissions does not count toward it. Last evaluated 2024-12-23.

Conditions:
Inborn genetic diseases. Identifiers: MedGen C0950123, MeSH D030342.

Allele frequency attached by ClinVar (database versions not stated): TOPMed 0.00003; ExAC 0.00003; gnomAD exomes 0.00004.
gnomAD v4.1: 17 of 1,611,868 alleles (0.0011%); highest among the groups gnomAD compares: Admixed American, 0.015%; no homozygotes.

Submissions (2):

Ambry Genetics
Classification: Uncertain significance for Inborn genetic diseases. Last evaluated: 2024-12-23. Review status: criteria provided, single submitter. Criteria: Ambry Variant Classification Scheme 2023. Collection method: clinical testing. Allele origin: germline.

Department of Pathology and Laboratory Medicine, Sinai Health System
Classification: Uncertain significance. Review status: no assertion criteria provided. Collection method: clinical testing. Allele origin: unknown. Affected: yes. Study: The Canadian Open Genetics Repository (COGR). Not counted in ClinVar's aggregate classification.
Comment: The FREM1 p.Ala958Ser variant was not identified in the literature nor was it identified in ClinVar, Cosmic or LOVD 3.0. The variant was identified in dbSNP (ID: rs773785545) and was found in control databases in 9 of 247496 chromosomes at a frequency of 0.000036 (Genome Aggregation Database Feb 27, 2017). The variant was observed in the following populations: Latino in 5 of 34428 chromosomes (freq: 0.000145) and European (non-Finnish) in 4 of 112032 chromosomes (freq: 0.000036), while the variant was not observed in the African, Ashkenazi Jewish, East Asian, European (Finnish), Other or South Asian populations. The variant occurs outside of the splicing consensus sequence and in silico or computational prediction software programs (SpliceSiteFinder, MaxEntScan, NNSPLICE, GeneSplicer) do not predict a difference in splicing. The p.Ala958 residue is conserved in mammals but not in more distantly related organisms however all computational analyses (PolyPhen-2, SIFT, AlignGVGD, BLOSUM, MutationTaster) do not suggest a high likelihood of impact to the protein; this information is not predictive enough to rule out pathogenicity. In summary, based on the above information the clinical significance of this variant cannot be determined with certainty at this time. This variant is classified as a variant of uncertain significance.

NM_001379081.2(FREM1):c.2872G>T (p.Ala958Ser)

Genes: FREM1 (FRAS1 related extracellular matrix 1; minus strand), LOC126860582 (P300/CBP strongly-dependent group 1 enhancer GRCh37_chr9:14812530-14813729; plus strand). Cytogenetic location: 9p22.3.
Variant type: single nucleotide variant.
Coding change: c.2872G>T on transcript NM_001379081.2 (MANE Select); coding-DNA position 2872, G replaced by T.
Protein change: p.Ala958Ser; replaces alanine 958 with serine.
Molecular consequence: missense variant. On other transcripts: non-coding transcript variant (2).
Genome position (GRCh38, 1-based): chr9:14,812,833, C>A on the plus strand (G>T on the coding strand, the complement: FREM1 is on the minus strand). VCF-style: chr9-14812833-C-A. GRCh37 (hg19) VCF-style: chr9-14812831-C-A.
Other names: c.2872G>T, p.Ala958Ser (NM_144966.7); c.2872G>T (NM_144966.5); short protein forms A958S.
Identifiers: ClinVar variation 1048999 (VCV001048999.2), dbSNP rs773785545, ClinGen allele CA4990785.